The following is an entry in ClinVar:

ClinVar aggregate classification (germline): Likely pathogenic (1 of 4 stars; one submission).

Conditions:
RYR1-related disorder. Also called: RYR1-related condition; RYR1-related disorders. Identifiers: MedGen CN239331.

Allele frequency attached by ClinVar (database versions not stated): gnomAD exomes below 0.00001.
gnomAD v4.1: 6 of 1,614,208 alleles (0.00037%); highest among the groups gnomAD compares: Non-Finnish European, 0.00051%; no homozygotes.

Submission:

Labcorp Genetics (formerly Invitae), Labcorp
Classification: Likely pathogenic for RYR1-related disorder. Last evaluated: 2023-07-19. Review status: criteria provided, single submitter. Criteria: Invitae Variant Classification Sherloc (09022015). Collection method: clinical testing. Allele origin: germline.
Comment: This sequence change replaces serine, which is neutral and polar, with phenylalanine, which is neutral and non-polar, at codon 3074 of the RYR1 protein (p.Ser3074Phe). This variant is not present in population databases (gnomAD no frequency). This missense change has been observed in individual(s) with clinical features of autosomal recessive RYR1-related myopathy (PMID: 24961629). In at least one individual the data is consistent with being in trans (on the opposite chromosome) from a pathogenic variant. It has also been observed to segregate with disease in related individuals. Advanced modeling of protein sequence and biophysical properties (such as structural, functional, and spatial information, amino acid conservation, physicochemical variation, residue mobility, and thermodynamic stability) has been performed at Invitae for this missense variant, however the output from this modeling did not meet the statistical confidence thresholds required to predict the impact of this variant on RYR1 protein function. In summary, the currently available evidence indicates that the variant is pathogenic, but additional data are needed to prove that conclusively. Therefore, this variant has been classified as Likely Pathogenic.

Literature cited by the submitters: PubMed 24961629.

NM_000540.3(RYR1):c.9221C>T (p.Ser3074Phe)

Gene: RYR1 (ryanodine receptor 1; plus strand). Cytogenetic location: 19q13.2.
Variant type: single nucleotide variant.
Coding change: c.9221C>T on transcript NM_000540.3 (MANE Select); coding-DNA position 9221, C replaced by T.
Protein change: p.Ser3074Phe; replaces serine 3074 with phenylalanine.
Molecular consequence: missense variant.
Genome position (GRCh38, 1-based): chr19:38,512,120, C>T. VCF-style: chr19-38512120-C-T. GRCh37 (hg19) VCF-style: chr19-39002760-C-T.
Other names: c.9221C>T, p.Ser3074Phe (NM_001042723.2); short protein forms S3074F.
Identifiers: ClinVar variation 2736881 (VCV002736881.3), dbSNP rs2514404288, ClinGen allele CA405685757.